The following is an entry in ClinVar:

ClinVar aggregate classification (germline): Uncertain significance (1 of 4 stars; one submission).

Submission:

Labcorp Genetics (formerly Invitae), Labcorp
Classification: Uncertain significance. Last evaluated: 2022-02-25. Review status: criteria provided, single submitter. Criteria: Invitae Variant Classification Sherloc (09022015). Collection method: clinical testing. Allele origin: germline.
Comment: This sequence change replaces isoleucine, which is neutral and non-polar, with phenylalanine, which is neutral and non-polar, at codon 961 of the CUL7 protein (p.Ile961Phe). This variant is present in population databases (rs760102227, gnomAD 0.02%). This variant has not been reported in the literature in individuals affected with CUL7-related conditions. Algorithms developed to predict the effect of missense changes on protein structure and function are either unavailable or do not agree on the potential impact of this missense change (SIFT: "Deleterious"; PolyPhen-2: "Probably Damaging"; Align-GVGD: "Class C0"). Algorithms developed to predict the effect of sequence changes on RNA splicing suggest that this variant may create or strengthen a splice site. In summary, the available evidence is currently insufficient to determine the role of this variant in disease. Therefore, it has been classified as a Variant of Uncertain Significance.

NM_014780.5(CUL7):c.2881A>T (p.Ile961Phe)

Gene: CUL7 (cullin 7; minus strand). Cytogenetic location: 6p21.1.
Variant type: single nucleotide variant.
Coding change: c.2881A>T on transcript NM_014780.5 (MANE Select); coding-DNA position 2881, A replaced by T.
Protein change: p.Ile961Phe; replaces isoleucine 961 with phenylalanine.
Molecular consequence: missense variant.
Genome position (GRCh38, 1-based): chr6:43,045,384, T>A on the plus strand (A>T on the coding strand, the complement: CUL7 is on the minus strand). VCF-style: chr6-43045384-T-A. GRCh37 (hg19) VCF-style: chr6-43013122-T-A.
Other names: c.2977A>T, p.Ile993Phe (NM_001168370.2, NM_001374872.1); c.2881A>T, p.Ile961Phe (NM_001374873.1, NM_001374874.1); short protein forms I961F, I993F.
Identifiers: ClinVar variation 2103599 (VCV002103599.4), dbSNP rs760102227, ClinGen allele CA3813652.